The following is an entry in ClinVar:

ClinVar aggregate classification (germline): Uncertain significance (1 of 4 stars; one submission).

Conditions:
Cataract 18 (CATC2). Also called: CATARACT 18, AUTOSOMAL RECESSIVE. Identifiers: Orphanet 91492, Orphanet 98991, Orphanet 98992, Orphanet 98995, MedGen C1864908, MONDO:0012395, OMIM 610019.

Submission:

Laboratorio de Genetica e Diagnostico Molecular, Hospital Israelita Albert Einstein
Classification: Uncertain significance for Cataract 18. Last evaluated: 2023-02-15. Review status: criteria provided, single submitter. Criteria: ACMG Guidelines, 2015. Collection method: clinical testing. Allele origin: germline. Affected: yes.
Comment: ACMG classification criteria: PM2 moderate

NM_024513.4(FYCO1):c.-113+2_-113+12del

Gene: FYCO1 (FYVE and coiled-coil domain autophagy adaptor 1; minus strand). Cytogenetic location: 3p21.31.
Variant type: Deletion.
Coding change: c.-113+2_-113+12del on transcript NM_024513.4 (MANE Select); the canonical splice donor site of the intron after 113 bases upstream of the start codon through 12 bases into the intron after 113 bases upstream of the start codon, 11 bases deleted (TAAGTGCCGCG).
Molecular consequence: splice donor variant.
Genome position (GRCh38, 1-based): chr3:45,995,710-45,995,720, CGCGGCACTTA deleted on the plus strand (TAAGTGCCGCG on the coding strand, the reverse complement: FYCO1 is on the minus strand); deleting any 11 consecutive bases within chr3:45,995,710-45,995,724 gives the same sequence; the c. name uses the placement nearest the transcript's 3' end. VCF-style (leftmost placement, unchanged base first): chr3-45995709-CCGCGGCACTTA-C. GRCh37 (hg19) VCF-style: chr3-46037201-CCGCGGCACTTA-C.
Other names: c.-229+2_-229+12del (NM_001386430.1); c.-126+2_-126+12del (NM_001386426.1); c.-113+2_-113+12del (NM_001386427.1, NM_001386423.1, NM_001386429.1 and 2 more transcripts); c.-197+2_-197+12del (NM_001386421.1, NM_001386428.1).
Identifiers: ClinVar variation 4846798 (VCV004846798.1).
Genomic context (GRCh38, chr3:45,995,709, plus strand): 5'-CGAAGCTCTCGCCTCAGGGATCGTGAGCGACCCAGGTGCCCCCAGAGTCCAGCCGGTCTT[CCGCGGCACTTA>C]CGCGCTCGTGGGTCCACCGCCGGGCAGAACCGAAACTTTCTGGGGCCAAGCGGAAGAGGA-3'